The following is an entry in ClinVar:

NM_153006.3(NAGS):c.117G>C (p.Ala39=)

Gene: NAGS (N-acetylglutamate synthase; plus strand). Cytogenetic location: 17q21.31.
Variant type: single nucleotide variant.
Coding change: c.117G>C on transcript NM_153006.3 (MANE Select); coding-DNA position 117, G replaced by C.
Protein change: p.Ala39=; no amino-acid change (alanine 39 retained).
Molecular consequence: synonymous variant.
Genome position (GRCh38, 1-based): chr17:44,004,780, G>C. VCF-style: chr17-44004780-G-C. GRCh37 (hg19) VCF-style: chr17-42082148-G-C.
Identifiers: ClinVar variation 388753 (VCV000388753.12), dbSNP rs765197938, ClinGen allele CA8595100.

ClinVar aggregate classification (germline): Likely benign. Review status: criteria provided, multiple submitters, no conflicts (2 of 4 stars). 3 submissions from 3 submitters: Likely benign (3). Last evaluated 2025-03-05.

Conditions:
Hyperammonemia, type III (NAGSD). Also called: Hyperammonemia due to N-acetylglutamate synthase deficiency. Identifiers: Orphanet 927, MedGen C0268543, MONDO:0009377, OMIM 237310.

Allele frequency attached by ClinVar (database versions not stated): TOPMed 0.00010.
gnomAD v4.1: 60 of 1,368,028 alleles (0.0044%); highest among the groups gnomAD compares: Admixed American, 0.048%; no homozygotes.

Submissions (3):

Labcorp Genetics (formerly Invitae), Labcorp
Classification: Likely benign for Hyperammonemia, type III. Last evaluated: 2025-03-05. Review status: criteria provided, single submitter. Criteria: Invitae Variant Classification Sherloc (09022015). Collection method: clinical testing. Allele origin: germline.

Blueprint Genetics
Classification: Likely benign. Last evaluated: 2022-09-16. Review status: criteria provided, single submitter. Criteria: ACMG Guidelines, 2015. Collection method: clinical testing. Allele origin: germline.

GeneDx
Classification: Likely benign. Last evaluated: 2016-08-30. Review status: criteria provided, single submitter. Criteria: GeneDx Variant Classification (06012015). Collection method: clinical testing. Allele origin: germline. Affected: yes.
Comment: This variant is considered likely benign or benign based on one or more of the following criteria: it is a conservative change, it occurs at a poorly conserved position in the protein, it is predicted to be benign by multiple in silico algorithms, and/or has population frequency not consistent with disease.